The following is an entry in ClinVar:

NM_004369.4(COL6A3):c.3850T>A (p.Phe1284Ile)

Gene: COL6A3 (collagen type VI alpha 3 chain; minus strand). Cytogenetic location: 2q37.3.
Variant type: single nucleotide variant.
Coding change: c.3850T>A on transcript NM_004369.4 (MANE Select); coding-DNA position 3850, T replaced by A.
Protein change: p.Phe1284Ile; replaces phenylalanine 1284 with isoleucine.
Molecular consequence: missense variant.
Genome position (GRCh38, 1-based): chr2:237,372,167, A>T on the plus strand (T>A on the coding strand, the complement: COL6A3 is on the minus strand). VCF-style: chr2-237372167-A-T. GRCh37 (hg19) VCF-style: chr2-238280810-A-T.
Other names: c.2629T>A, p.Phe877Ile (NM_057164.5); c.3232T>A, p.Phe1078Ile (NM_057165.5, NM_057167.4); c.2029T>A, p.Phe677Ile (NM_057166.5); short protein forms F1284I, F877I, F677I, F1078I.
Identifiers: ClinVar variation 841887 (VCV000841887.10), dbSNP rs2077709263, ClinGen allele CA351198862.

ClinVar aggregate classification (germline): Uncertain significance (1 of 4 stars; one submission).

Conditions:
Bethlem myopathy 1A. Also called: MYOPATHY, BENIGN CONGENITAL, WITH CONTRACTURES; Bethlem Muscular Dystrophy; Bethlem myopathy 1. Identifiers: Orphanet 610, MedGen CN029274, MONDO:0024530, OMIM 158810.

Submission:

Labcorp Genetics (formerly Invitae), Labcorp
Classification: Uncertain significance for Bethlem myopathy 1A. Last evaluated: 2022-06-04. Review status: criteria provided, single submitter. Criteria: Invitae Variant Classification Sherloc (09022015). Collection method: clinical testing. Allele origin: germline.
Comment: In summary, the available evidence is currently insufficient to determine the role of this variant in disease. Therefore, it has been classified as a Variant of Uncertain Significance. Advanced modeling of protein sequence and biophysical properties (such as structural, functional, and spatial information, amino acid conservation, physicochemical variation, residue mobility, and thermodynamic stability) performed at Invitae indicates that this missense variant is expected to disrupt COL6A3 protein function. ClinVar contains an entry for this variant (Variation ID: 841887). This variant has not been reported in the literature in individuals affected with COL6A3-related conditions. This variant is not present in population databases (gnomAD no frequency). This sequence change replaces phenylalanine, which is neutral and non-polar, with isoleucine, which is neutral and non-polar, at codon 1284 of the COL6A3 protein (p.Phe1284Ile).